The following is an entry in ClinVar:

NM_018847.4(KLHL9):c.346T>G (p.Ser116Ala)

Gene: KLHL9 (kelch like family member 9; minus strand). Cytogenetic location: 9p21.3.
Variant type: single nucleotide variant.
Coding change: c.346T>G on transcript NM_018847.4 (MANE Select); coding-DNA position 346, T replaced by G.
Protein change: p.Ser116Ala; replaces serine 116 with alanine.
Molecular consequence: missense variant.
Genome position (GRCh38, 1-based): chr9:21,334,514, A>C on the plus strand (T>G on the coding strand, the complement: KLHL9 is on the minus strand). VCF-style: chr9-21334514-A-C. GRCh37 (hg19) VCF-style: chr9-21334513-A-C.
Other names: short protein forms S116A.
Identifiers: ClinVar variation 3618909 (VCV003618909.2).

ClinVar aggregate classification (germline): Uncertain significance (1 of 4 stars; one submission).

Submission:

Labcorp Genetics (formerly Invitae), Labcorp
Classification: Uncertain significance. Last evaluated: 2024-03-13. Review status: criteria provided, single submitter. Criteria: Invitae Variant Classification Sherloc (09022015). Collection method: clinical testing. Allele origin: germline.
Comment: This sequence change replaces serine, which is neutral and polar, with alanine, which is neutral and non-polar, at codon 116 of the KLHL9 protein (p.Ser116Ala). This variant is present in population databases (rs778271357, gnomAD 0.004%). This variant has not been reported in the literature in individuals affected with KLHL9-related conditions. Advanced modeling of protein sequence and biophysical properties (such as structural, functional, and spatial information, amino acid conservation, physicochemical variation, residue mobility, and thermodynamic stability) performed at Invitae indicates that this missense variant is not expected to disrupt KLHL9 protein function with a negative predictive value of 80%. In summary, the available evidence is currently insufficient to determine the role of this variant in disease. Therefore, it has been classified as a Variant of Uncertain Significance.